The following is an entry in ClinVar:

ClinVar aggregate classification (germline): Uncertain significance (1 of 4 stars; one submission).

gnomAD v4.1: 1 of 1,613,934 alleles (0.000062%); no homozygotes.

Submission:

Labcorp Genetics (formerly Invitae), Labcorp
Classification: Uncertain significance. Last evaluated: 2022-06-07. Review status: criteria provided, single submitter. Criteria: Invitae Variant Classification Sherloc (09022015). Collection method: clinical testing. Allele origin: germline.
Comment: Algorithms developed to predict the effect of sequence changes on RNA splicing suggest that this variant may create or strengthen a splice site. In summary, the available evidence is currently insufficient to determine the role of this variant in disease. Therefore, it has been classified as a Variant of Uncertain Significance. Algorithms developed to predict the effect of missense changes on protein structure and function (SIFT, PolyPhen-2, Align-GVGD) all suggest that this variant is likely to be disruptive. This sequence change replaces serine, which is neutral and polar, with arginine, which is basic and polar, at codon 1739 of the MPDZ protein (p.Ser1739Arg). This variant is not present in population databases (gnomAD no frequency). This variant has not been reported in the literature in individuals affected with MPDZ-related conditions.

NM_001378778.1(MPDZ):c.5217T>A (p.Ser1739Arg)

Gene: MPDZ (multiple PDZ domain crumbs cell polarity complex component; minus strand). Cytogenetic location: 9p23.
Variant type: single nucleotide variant.
Coding change: c.5217T>A on transcript NM_001378778.1 (MANE Select); coding-DNA position 5217, T replaced by A.
Protein change: p.Ser1739Arg; replaces serine 1739 with arginine.
Molecular consequence: missense variant.
Genome position (GRCh38, 1-based): chr9:13,121,753, A>T on the plus strand (T>A on the coding strand, the complement: MPDZ is on the minus strand). VCF-style: chr9-13121753-A-T. GRCh37 (hg19) VCF-style: chr9-13121752-A-T.
Other names: c.5118T>A, p.Ser1706Arg (NM_001261406.2, NM_001261407.2, NM_001375416.1 and 3 more transcripts); c.5217T>A, p.Ser1739Arg (NM_001330637.2, NM_003829.5); c.5316T>A, p.Ser1772Arg (NM_001375413.1); c.5007T>A, p.Ser1669Arg (NM_001375420.1, NM_001375421.1, NM_001375422.1 and 4 more transcripts); c.4809T>A, p.Ser1603Arg (NM_001375427.1); short protein forms S1706R, S1772R, S1603R, S1669R, S1739R.
Identifiers: ClinVar variation 1964714 (VCV001964714.5), dbSNP rs2538438676, ClinGen allele CA372944128.
Genomic context (GRCh38, chr9:13,121,753, plus strand): 5'-CCCATCATTTCCAAGGGAGCATTGGGTTTGTCCTCCTCAATCACACCTTTTACCAACAAT[A>T]CTTAATCCTAGGCCTTTTCCCGGCTTCTTCTGCAGCTCAATAGTGAGGGTGTCACACACT-3'
Protein context (NP_001365707.1, residues 1729-1749): QKKPGKGLGL[Ser1739Arg]IVGKRNDTGV